The following is an entry in ClinVar:

ClinVar aggregate classification (germline): Uncertain significance (1 of 4 stars; one submission).

Conditions:
Mowat-Wilson syndrome (MOWS). Also called: Classic Mowat-Wilson Syndrome. Identifiers: Orphanet 2152, MedGen C1856113, MONDO:0009341, OMIM 235730.

Submission:

Labcorp Genetics (formerly Invitae), Labcorp
Classification: Uncertain significance for Mowat-Wilson syndrome. Last evaluated: 2019-08-14. Review status: criteria provided, single submitter. Criteria: Invitae Variant Classification Sherloc (09022015). Collection method: clinical testing. Allele origin: germline.
Comment: This sequence change replaces glycine with serine at codon 1144 of the ZEB2 protein (p.Gly1144Ser). The glycine residue is moderately conserved and there is a small physicochemical difference between glycine and serine. In summary, the available evidence is currently insufficient to determine the role of this variant in disease. Therefore, it has been classified as a Variant of Uncertain Significance. Algorithms developed to predict the effect of missense changes on protein structure and function (SIFT, PolyPhen-2, Align-GVGD) all suggest that this variant is likely to be tolerated, but these predictions have not been confirmed by published functional studies and their clinical significance is uncertain. This variant has not been reported in the literature in individuals with ZEB2-related conditions. This variant is not present in population databases (ExAC no frequency).

NM_014795.4(ZEB2):c.3430G>A (p.Gly1144Ser)

Gene: ZEB2 (zinc finger E-box binding homeobox 2; minus strand). Cytogenetic location: 2q22.3.
Variant type: single nucleotide variant.
Coding change: c.3430G>A on transcript NM_014795.4 (MANE Select); coding-DNA position 3430, G replaced by A.
Protein change: p.Gly1144Ser; replaces glycine 1144 with serine.
Molecular consequence: missense variant.
Genome position (GRCh38, 1-based): chr2:144,389,666, C>T on the plus strand (G>A on the coding strand, the complement: ZEB2 is on the minus strand). VCF-style: chr2-144389666-C-T. GRCh37 (hg19) VCF-style: chr2-145147233-C-T.
Other names: c.3358G>A, p.Gly1120Ser (NM_001171653.2); short protein forms G1120S, G1144S.
Identifiers: ClinVar variation 946596 (VCV000946596.9), dbSNP rs1703128782, ClinGen allele CA348699320.